The following is an entry in ClinVar:

NM_000090.4(COL3A1):c.1150-10G>T

Gene: COL3A1 (collagen type III alpha 1 chain; plus strand). Cytogenetic location: 2q32.2.
Variant type: single nucleotide variant.
Coding change: c.1150-10G>T on transcript NM_000090.4 (MANE Select); 10 bases into the intron before coding-DNA position 1150, G replaced by T.
Molecular consequence: intron variant.
Genome position (GRCh38, 1-based): chr2:188,994,028, G>T. VCF-style: chr2-188994028-G-T. GRCh37 (hg19) VCF-style: chr2-189858754-G-T.
Identifiers: ClinVar variation 3070179 (VCV003070179.1), dbSNP rs1183526691, ClinGen allele CA2825001061.

ClinVar aggregate classification (germline): Uncertain significance (1 of 4 stars; one submission).

Conditions:
Ehlers-Danlos syndrome, type 4 (EDSVASC). Also called: Ehlers-Danlos Syndrome Type IV; Ehlers-Danlos syndrome vascular type; Ehlers Danlos syndrome, ecchymotic type; Ehlers Danlos syndrome, arterial type; Ehlers Danlos syndrome, Sack-Barabas type. Identifiers: Orphanet 286, MedGen C0268338, MONDO:0017314, OMIM 130050.

Submission:

All of Us Research Program, National Institutes of Health
Classification: Uncertain significance for Ehlers-Danlos syndrome, type 4. Last evaluated: 2023-12-18. Review status: criteria provided, single submitter. Criteria: ACMG Guidelines, 2015. Collection method: clinical testing. Allele origin: germline. Inheritance: Autosomal dominant inheritance. Observed: 2 variant alleles, 2 heterozygotes.
Comment: This variant causes a G to T nucleotide substitution at the -10 position of intron 16 of the COL3A1 gene. To our knowledge, functional studies have not been reported for this variant. This variant has not been reported in individuals affected with COL3A1-related disorders in the literature. This variant has not been identified in the general population by the Genome Aggregation Database (gnomAD). The available evidence is insufficient to determine the role of this variant in disease conclusively. Therefore, this variant is classified as a Variant of Uncertain Significance.

This study involves interpretation of variants in research participants for the purpose of population health screening. Participant phenotype was not available at the time of variant classification. Additional details can be found in publication PMID: 35346344, PMCID: PMC8962531